The following is an entry in ClinVar:

ClinVar aggregate classification (germline): Benign/Likely benign. Review status: criteria provided, multiple submitters, no conflicts (2 of 4 stars). 10 submissions from 10 submitters: Benign (3); Likely benign (3). 4 of the submissions do not count toward it. Last evaluated 2026-02-04.

Conditions:
Dyskeratosis congenita, autosomal recessive 5 (DKCB5). Identifiers: MedGen C3554656, MONDO:0014076, OMIM 615190.
Pulmonary fibrosis and/or bone marrow failure, Telomere-related, 3. Also called: PULMONARY FIBROSIS AND/OR BONE MARROW FAILURE SYNDROME, TELOMERE-RELATED, 3. Identifiers: Orphanet 2032, MedGen C4225346, MONDO:0014613, OMIM 616373.
Dyskeratosis congenita. Identifiers: Orphanet 1775, MedGen C0265965, MONDO:0015780.

Allele frequency attached by ClinVar (database versions not stated): 1000 Genomes Project 0.01198; TOPMed 0.02524; gnomAD 0.02592 and 0.02652; ESP Exome Variant Server 0.02811; 1000 Genomes Project 30x 0.01124.
gnomAD v4.1: 53,688 of 1,612,586 alleles (3.3%); highest among the groups gnomAD compares: Non-Finnish European, 3.9%; 1,007 homozygotes.

Submissions (10):

Labcorp Genetics (formerly Invitae), Labcorp
Classification: Benign for Dyskeratosis congenita, autosomal recessive 5; Pulmonary fibrosis and/or bone marrow failure, Telomere-related, 3. Last evaluated: 2026-02-04. Review status: criteria provided, single submitter. Criteria: Invitae Variant Classification Sherloc (09022015). Collection method: clinical testing. Allele origin: germline.

ARUP Laboratories, Molecular Genetics and Genomics, ARUP Laboratories
Classification: Benign. Last evaluated: 2025-06-17. Review status: criteria provided, single submitter. Criteria: ARUP Molecular Germline Variant Investigation Process 2024. Collection method: clinical testing. Allele origin: germline.

Blueprint Genetics
Classification: Likely benign. Last evaluated: 2024-11-28. Review status: criteria provided, single submitter. Criteria: ACMG Guidelines, 2015. Collection method: clinical testing. Allele origin: germline.

GeneDx
Classification: Likely benign. Last evaluated: 2022-06-03. Review status: criteria provided, single submitter. Criteria: GeneDx Variant Classification Process June 2021. Collection method: clinical testing. Allele origin: germline. Affected: yes.
Comment: See Variant Classification Assertion Criteria.

Mayo Clinic Laboratories, Mayo Clinic
Classification: Benign. Last evaluated: 2016-09-21. Review status: criteria provided, single submitter. Criteria: ACMG Guidelines, 2015. Collection method: clinical testing. Allele origin: germline. Observed: 82 variant alleles.

Breakthrough Genomics
Classification: Likely benign. Review status: criteria provided, single submitter. Criteria: ACMG Guidelines, 2015. Collection method: not provided. Allele origin: germline. Inheritance: Autosomal recessive inheritance. Affected: yes.

Natera, Inc.
Classification: Likely benign for Dyskeratosis congenita. Last evaluated: 2019-11-22. Review status: no assertion criteria provided. Collection method: clinical testing. Allele origin: germline. Not counted in ClinVar's aggregate classification.

Clinical Genetics DNA and cytogenetics Diagnostics Lab, Erasmus MC, Erasmus Medical Center
Classification: Benign. Review status: no assertion criteria provided. Collection method: clinical testing. Allele origin: germline. Affected: yes. Study: VKGL Data-share Consensus. Not counted in ClinVar's aggregate classification.

Joint Genome Diagnostic Labs from Nijmegen and Maastricht, Radboudumc and MUMC+
Classification: Benign. Review status: no assertion criteria provided. Collection method: clinical testing. Allele origin: germline. Affected: yes. Study: VKGL Data-share Consensus. Not counted in ClinVar's aggregate classification.

Laboratory of Diagnostic Genome Analysis, Leiden University Medical Center (LUMC)
Classification: Benign. Review status: no assertion criteria provided. Collection method: clinical testing. Allele origin: germline. Affected: yes. Study: VKGL Data-share Consensus. Not counted in ClinVar's aggregate classification.

NM_001283009.2(RTEL1):c.2785G>A (p.Ala929Thr)

Genes: RTEL1 (regulator of telomere elongation helicase 1; plus strand), RTEL1-TNFRSF6B (RTEL1-TNFRSF6B readthrough (NMD candidate); plus strand). Cytogenetic location: 20q13.33.
Variant type: single nucleotide variant.
Coding change: c.2785G>A on transcript NM_001283009.2 (MANE Select); coding-DNA position 2785, G replaced by A.
Protein change: p.Ala929Thr; replaces alanine 929 with threonine.
Molecular consequence: missense variant. On other transcripts: non-coding transcript variant (1).
Genome position (GRCh38, 1-based): chr20:63,692,937, G>A. VCF-style: chr20-63692937-G-A. GRCh37 (hg19) VCF-style: chr20-62324290-G-A.
Other names: p.Ala953Thr; c.2116G>A, p.Ala706Thr (NM_001283010.1); c.2785G>A, p.Ala929Thr (NM_016434.4); c.2857G>A, p.Ala953Thr (NM_032957.5); short protein forms A929T, A953T, A706T.
Identifiers: ClinVar variation 473914 (VCV000473914.25), dbSNP rs61736615, ClinGen allele CA9965536.